The following is an entry in ClinVar:

ClinVar aggregate classification (germline): Uncertain significance (1 of 4 stars; one submission).

Conditions:
Generalized epilepsy-paroxysmal dyskinesia syndrome (PNKD3). Also called: Generalized epilepsy and paroxysmal dyskinesia; Paroxysmal nonkinesigenic dyskinesia, 3, with or without generalized epilepsy. Identifiers: Orphanet 79137, MedGen C5574945, MONDO:0012276, OMIM 609446.

Submission:

Labcorp Genetics (formerly Invitae), Labcorp
Classification: Uncertain significance for Generalized epilepsy-paroxysmal dyskinesia syndrome. Last evaluated: 2022-07-11. Review status: criteria provided, single submitter. Criteria: Invitae Variant Classification Sherloc (09022015). Collection method: clinical testing. Allele origin: germline.
Comment: In summary, the available evidence is currently insufficient to determine the role of this variant in disease. Therefore, it has been classified as a Variant of Uncertain Significance. Algorithms developed to predict the effect of missense changes on protein structure and function (SIFT, PolyPhen-2, Align-GVGD) all suggest that this variant is likely to be tolerated. This variant has not been reported in the literature in individuals affected with KCNMA1-related conditions. This variant is not present in population databases (gnomAD no frequency). This sequence change replaces glutamine, which is neutral and polar, with arginine, which is basic and polar, at codon 1139 of the KCNMA1 protein (p.Gln1139Arg).

NM_001161352.2(KCNMA1):c.3590A>G (p.Gln1197Arg)

Gene: KCNMA1 (potassium calcium-activated channel subfamily M alpha 1; minus strand). Cytogenetic location: 10q22.3.
Variant type: single nucleotide variant.
Coding change: c.3590A>G on transcript NM_001161352.2 (MANE Select); coding-DNA position 3590, A replaced by G.
Protein change: p.Gln1197Arg; replaces glutamine 1197 with arginine.
Molecular consequence: missense variant.
Genome position (GRCh38, 1-based): chr10:76,887,387, T>C on the plus strand (A>G on the coding strand, the complement: KCNMA1 is on the minus strand). VCF-style: chr10-76887387-T-C. GRCh37 (hg19) VCF-style: chr10-78647145-T-C.
Other names: c.3428A>G, p.Gln1143Arg (NM_001014797.3); c.3539A>G, p.Gln1180Arg (NM_001161353.2); c.3266A>G, p.Gln1089Arg (NM_001271518.2); c.3506A>G, p.Gln1169Arg (NM_001271519.2); c.3425A>G, p.Gln1142Arg (NM_001322829.2, NM_001322836.2); c.3518A>G, p.Gln1173Arg (NM_001322830.2); c.3416A>G, p.Gln1139Arg (NM_001322832.2, NM_001410940.1, NM_002247.4); c.3509A>G, p.Gln1170Arg (NM_001322835.2, NM_001322837.2); and 1 more; short protein forms Q1142R, Q1143R, Q1169R, Q1173R, Q1180R, Q1139R, Q1170R, Q988R.
Identifiers: ClinVar variation 2016094 (VCV002016094.4), dbSNP rs763882508, ClinGen allele CA377402695.